The following is an entry in ClinVar:

NM_000222.3(KIT):c.*299G>C

Gene: KIT (KIT proto-oncogene, receptor tyrosine kinase; plus strand). Cytogenetic location: 4q12.
Variant type: single nucleotide variant.
Coding change: c.*299G>C on transcript NM_000222.3 (MANE Select); 299 bases downstream of the stop codon, G replaced by C.
Molecular consequence: 3 prime UTR variant.
Genome position (GRCh38, 1-based): chr4:54,738,856, G>C. VCF-style: chr4-54738856-G-C. GRCh37 (hg19) VCF-style: chr4-55605022-G-C.
Other names: c.*299G>C (NM_001093772.2, NM_001385284.1, NM_001385285.1 and 4 more transcripts).
Identifiers: ClinVar variation 900491 (VCV000900491.31), dbSNP rs185479436, ClinGen allele CA96884102.

ClinVar aggregate classification (germline): Conflicting classifications of pathogenicity. Review status: criteria provided, conflicting classifications (1 of 4 stars). 5 submissions from 3 submitters: Uncertain significance (2); Likely benign (3). Last evaluated 2023-05-01.

Conditions:
Piebaldism. Also called: Piebald skin depigmentation. Identifiers: Orphanet 2884, MedGen C0080024, MONDO:0008244, OMIM 172800, HP:0007544.
Mastocytosis. Also called: Mast Cell Disease. Identifiers: Orphanet 98292, MedGen C0024899, MONDO:0007950, HP:0100495.
Gastrointestinal stromal tumor. Also called: Gastrointestinal stromal tumor, somatic; Gastrointestinal stroma tumor. Identifiers: Orphanet 44890, MedGen C0238198, MeSH D046152, MONDO:0011719, OMIM 606764, HP:0100723.

Allele frequency attached by ClinVar (database versions not stated): 1000 Genomes Project 0.00100; 1000 Genomes Project 30x 0.00109; TOPMed 0.00285; gnomAD 0.00287 and 0.00330.
gnomAD v4.1: 1,844 of 599,340 alleles (0.31%); highest among the groups gnomAD compares: Non-Finnish European, 0.37%; 6 homozygotes.

Submissions (5):

CeGaT Center for Human Genetics Tuebingen
Classification: Likely benign. Last evaluated: 2023-05-01. Review status: criteria provided, single submitter. Criteria: CeGaT Center For Human Genetics Tuebingen Variant Classification Criteria Version 2. Collection method: clinical testing. Allele origin: germline. Affected: yes. Observed: 6 variant alleles.
Comment: KIT: BS1

GeneDx
Classification: Likely benign. Last evaluated: 2019-03-16. Review status: criteria provided, single submitter. Criteria: GeneDx Variant Classification Process June 2021. Collection method: clinical testing. Allele origin: germline. Affected: yes.

Illumina Laboratory Services, Illumina
Classification: Uncertain significance for Piebaldism. Last evaluated: 2018-01-13. Review status: criteria provided, single submitter. Criteria: ICSL Variant Classification Criteria 13 December 2019. Collection method: clinical testing. Allele origin: germline.

Illumina Laboratory Services, Illumina
Classification: Uncertain significance for Gastrointestinal stromal tumor. Last evaluated: 2018-01-13. Review status: criteria provided, single submitter. Criteria: ICSL Variant Classification Criteria 13 December 2019. Collection method: clinical testing. Allele origin: germline.

Illumina Laboratory Services, Illumina
Classification: Likely benign for Cutaneous mastocytosis. Last evaluated: 2018-01-13. Review status: criteria provided, single submitter. Criteria: ICSL Variant Classification Criteria 13 December 2019. Collection method: clinical testing. Allele origin: germline.
Comment: This variant was observed in the ICSL laboratory as part of a predisposition screen in an ostensibly healthy population. It had not been previously curated by ICSL or reported in the Human Gene Mutation Database (HGMD: prior to June 1st, 2018), and was therefore a candidate for classification through an automated scoring system. Utilizing variant allele frequency, disease prevalence and penetrance estimates, and inheritance mode, an automated score was calculated to assess if this variant is too frequent to cause the disease. Based on the score and internal cut-off values, a variant classified as likely benign is not then subjected to further curation. The score for this variant resulted in a classification of likely benign for this disease.